The following is an entry in ClinVar:

NM_018489.3(ASH1L):c.129A>G (p.Thr43=)

Gene: ASH1L (ASH1 like histone lysine methyltransferase; minus strand). Cytogenetic location: 1q22.
Variant type: single nucleotide variant.
Coding change: c.129A>G on transcript NM_018489.3 (MANE Select); coding-DNA position 129, A replaced by G.
Protein change: p.Thr43=; no amino-acid change (threonine 43 retained).
Molecular consequence: synonymous variant.
Genome position (GRCh38, 1-based): chr1:155,521,391, T>C on the plus strand (A>G on the coding strand, the complement: ASH1L is on the minus strand). VCF-style: chr1-155521391-T-C. GRCh37 (hg19) VCF-style: chr1-155491182-T-C.
Other names: c.129A>G, p.Thr43= (NM_001366177.2).
Identifiers: ClinVar variation 2639428 (VCV002639428.24), dbSNP rs756650079, ClinGen allele CA1147532.

ClinVar aggregate classification (germline): Likely benign (1 of 4 stars; one submission).

Allele frequency attached by ClinVar (database versions not stated): ExAC 0.00001; gnomAD 0.00003; TOPMed 0.00004.
gnomAD v4.1: 30 of 1,614,074 alleles (0.0019%); highest among the groups gnomAD compares: Non-Finnish European, 0.0023%; no homozygotes.

Submission:

CeGaT Center for Human Genetics Tuebingen
Classification: Likely benign. Last evaluated: 2026-09-01. Review status: criteria provided, single submitter. Criteria: CeGaT Center For Human Genetics Tuebingen Variant Classification Criteria Version 2. Collection method: clinical testing. Allele origin: germline. Affected: yes. Observed: 2 variant alleles.
Comment: ASH1L: BP4, BP7